The following is an entry in ClinVar:

NM_006361.6(HOXB13):c.442G>A (p.Val148Met)

Gene: HOXB13 (homeobox B13; minus strand). Cytogenetic location: 17q21.32.
Variant type: single nucleotide variant.
Coding change: c.442G>A on transcript NM_006361.6 (MANE Select); coding-DNA position 442, G replaced by A.
Protein change: p.Val148Met; replaces valine 148 with methionine.
Molecular consequence: missense variant.
Genome position (GRCh38, 1-based): chr17:48,728,152, C>T on the plus strand (G>A on the coding strand, the complement: HOXB13 is on the minus strand). VCF-style: chr17-48728152-C-T. GRCh37 (hg19) VCF-style: chr17-46805514-C-T.
Other names: short protein forms V148M.
Identifiers: ClinVar variation 2448865 (VCV002448865.4), dbSNP rs2143072046, ClinGen allele CA400107445.

ClinVar aggregate classification (germline): Uncertain significance. Review status: criteria provided, multiple submitters, no conflicts (2 of 4 stars). 2 submissions from 2 submitters: Uncertain significance (2). Last evaluated 2025-01-13.

Conditions:
Hereditary cancer-predisposing syndrome. Also called: Neoplastic Syndromes, Hereditary; Hereditary Cancer Syndrome; Tumor predisposition; Hereditary neoplastic syndrome. Identifiers: Orphanet 140162, MedGen C0027672, MeSH D009386, MONDO:0015356.

Submissions (2):

Labcorp Genetics (formerly Invitae), Labcorp
Classification: Uncertain significance. Last evaluated: 2025-01-13. Review status: criteria provided, single submitter. Criteria: Invitae Variant Classification Sherloc (09022015). Collection method: clinical testing. Allele origin: germline.
Comment: This sequence change replaces valine, which is neutral and non-polar, with methionine, which is neutral and non-polar, at codon 148 of the HOXB13 protein (p.Val148Met). This variant is not present in population databases (gnomAD no frequency). This variant has not been reported in the literature in individuals affected with HOXB13-related conditions. ClinVar contains an entry for this variant (Variation ID: 2448865). Invitae Evidence Modeling of protein sequence and biophysical properties (such as structural, functional, and spatial information, amino acid conservation, physicochemical variation, residue mobility, and thermodynamic stability) has been performed for this missense variant. However, the output from this modeling did not meet the statistical confidence thresholds required to predict the impact of this variant on HOXB13 protein function. In summary, the available evidence is currently insufficient to determine the role of this variant in disease. Therefore, it has been classified as a Variant of Uncertain Significance.

Ambry Genetics
Classification: Uncertain significance for Hereditary cancer-predisposing syndrome. Last evaluated: 2022-11-03. Review status: criteria provided, single submitter. Criteria: Ambry Variant Classification Scheme 2023. Collection method: clinical testing. Allele origin: germline.
Comment: The p.V148M variant (also known as c.442G>A), located in coding exon 1 of the HOXB13 gene, results from a G to A substitution at nucleotide position 442. The valine at codon 148 is replaced by methionine, an amino acid with highly similar properties. This amino acid position is conserved. In addition, the in silico prediction for this alteration is inconclusive. Since supporting evidence is limited at this time, the clinical significance of this alteration remains unclear.